The following is an entry in ClinVar:

ClinVar aggregate classification (germline): Uncertain significance (1 of 4 stars; one submission).

Submission:

Mayo Clinic Laboratories, Mayo Clinic
Classification: Uncertain significance. Last evaluated: 2023-01-16. Review status: criteria provided, single submitter. Criteria: ACMG Guidelines, 2015. Collection method: clinical testing. Allele origin: germline. Observed: 1 variant allele.
Comment: PM2

NM_001458.5(FLNC):c.1541A>G (p.Lys514Arg)

Gene: FLNC (filamin C; plus strand). Cytogenetic location: 7q32.1.
Variant type: single nucleotide variant.
Coding change: c.1541A>G on transcript NM_001458.5 (MANE Select); coding-DNA position 1541, A replaced by G.
Protein change: p.Lys514Arg; replaces lysine 514 with arginine.
Molecular consequence: missense variant.
Genome position (GRCh38, 1-based): chr7:128,840,152, A>G. VCF-style: chr7-128840152-A-G. GRCh37 (hg19) VCF-style: chr7-128480206-A-G.
Other names: p.Lys514Arg; c.1541A>G, p.Lys514Arg (NM_001127487.2); short protein forms K514R.
Identifiers: ClinVar variation 2682997 (VCV002682997.1), dbSNP rs375881193, ClinGen allele CA369225880.